The following is an entry in ClinVar:

NM_000051.4(ATM):c.2238C>G (p.Phe746Leu)

Gene: ATM (ATM serine/threonine kinase; plus strand). Cytogenetic location: 11q22.3.
Variant type: single nucleotide variant.
Coding change: c.2238C>G on transcript NM_000051.4 (MANE Select); coding-DNA position 2238, C replaced by G.
Protein change: p.Phe746Leu; replaces phenylalanine 746 with leucine.
Molecular consequence: missense variant.
Genome position (GRCh38, 1-based): chr11:108,256,328, C>G. VCF-style: chr11-108256328-C-G. GRCh37 (hg19) VCF-style: chr11-108127055-C-G.
Other names: c.2238C>G, p.Phe746Leu (NM_001351834.2); short protein forms F746L.
Identifiers: ClinVar variation 628377 (VCV000628377.5), dbSNP rs786203595, ClinGen allele CA382539230.

ClinVar aggregate classification (germline): Uncertain significance (1 of 4 stars; one submission).

Conditions:
Hereditary cancer-predisposing syndrome. Also called: Neoplastic Syndromes, Hereditary; Tumor predisposition; Hereditary neoplastic syndrome; Hereditary Cancer Syndrome. Identifiers: Orphanet 140162, MedGen C0027672, MeSH D009386, MONDO:0015356.

Submission:

Color Diagnostics, LLC DBA Color Health
Classification: Uncertain significance for Hereditary cancer-predisposing syndrome. Last evaluated: 2023-12-04. Review status: criteria provided, single submitter. Criteria: ACMG Guidelines, 2015. Collection method: clinical testing. Allele origin: germline.
Comment: This missense variant replaces phenylalanine with leucine at codon 746 of the ATM protein. Computational prediction is inconclusive regarding the impact of this variant on protein structure and function (internally defined REVEL score threshold 0.5 < inconclusive < 0.7, PMID: 27666373). To our knowledge, functional studies have not been reported for this variant. This variant has not been reported in individuals affected with ATM-related disorders in the literature. This variant has not been identified in the general population by the Genome Aggregation Database (gnomAD). The available evidence is insufficient to determine the role of this variant in disease conclusively. Therefore, this variant is classified as a Variant of Uncertain Significance.